The following is an entry in ClinVar:

NM_001009944.3(PKD1):c.7786C>T (p.Leu2596Phe)

Gene: PKD1 (polycystin 1, transient receptor potential channel interacting; minus strand). Cytogenetic location: 16p13.3.
Variant type: single nucleotide variant.
Coding change: c.7786C>T on transcript NM_001009944.3 (MANE Select); coding-DNA position 7786, C replaced by T.
Protein change: p.Leu2596Phe; replaces leucine 2596 with phenylalanine.
Molecular consequence: missense variant.
Genome position (GRCh38, 1-based): chr16:2,105,942, G>A on the plus strand (C>T on the coding strand, the complement: PKD1 is on the minus strand). VCF-style: chr16-2105942-G-A. GRCh37 (hg19) VCF-style: chr16-2155943-G-A.
Other names: c.7786C>T, p.Leu2596Phe (NM_000296.4); short protein forms L2596F.
Identifiers: ClinVar variation 4532415 (VCV004532415.1).

ClinVar aggregate classification (germline): Uncertain significance (1 of 4 stars; one submission).

Submission:

GeneDx
Classification: Uncertain significance. Last evaluated: 2025-05-27. Review status: criteria provided, single submitter. Criteria: GeneDx Variant Classification Process June 2021. Collection method: clinical testing. Allele origin: germline. Affected: yes.
Comment: Not observed at significant frequency in large population cohorts (gnomAD); In silico analysis supports that this missense variant has a deleterious effect on protein structure/function; In silico analysis suggests this variant may impact gene splicing. In the absence of RNA/functional studies, the actual effect of this sequence change is unknown.; Has not been previously published as pathogenic or benign to our knowledge